The following is an entry in ClinVar:

ClinVar aggregate classification (germline): Conflicting classifications of pathogenicity. Review status: criteria provided, conflicting classifications (1 of 4 stars). 14 submissions from 13 submitters: Uncertain significance (5); Benign (2); Likely benign (4). 3 of the submissions do not count toward it. Last evaluated 2026-01-27.

Conditions:
TSC2-related disorder. Also called: TSC2-Related Disorders; TSC2-related condition.
Hereditary cancer-predisposing syndrome. Also called: Tumor predisposition; Neoplastic Syndromes, Hereditary; Hereditary neoplastic syndrome; Hereditary Cancer Syndrome. Identifiers: Orphanet 140162, MedGen C0027672, MeSH D009386, MONDO:0015356.
Tuberous sclerosis syndrome (TSC). Also called: Tuberous Sclerosis Complex; Tuberous sclerosis. Identifiers: Orphanet 805, MedGen C0041341, MONDO:0001734.
Autism spectrum disorder. Also called: Autism spectrum disorders. Identifiers: MedGen C1510586, MeSH D000067877, MONDO:0005258.
Tuberous sclerosis 2 (TSC2). Identifiers: Orphanet 805, MedGen C1860707, MONDO:0013199, OMIM 613254.

Allele frequency attached by ClinVar (database versions not stated): gnomAD 0.00002 and 0.00003; gnomAD exomes 0.00002 and 0.00003; ExAC 0.00003; TOPMed 0.00004; 1000 Genomes Project 30x 0.00016; 1000 Genomes Project 0.00020.
gnomAD v4.1: 37 of 1,611,278 alleles (0.0023%); highest among the groups gnomAD compares: East Asian, 0.025%; no homozygotes.

Submissions (14):

Labcorp Genetics (formerly Invitae), Labcorp
Classification: Benign for Tuberous sclerosis 2. Last evaluated: 2026-01-27. Review status: criteria provided, single submitter. Criteria: Invitae Variant Classification Sherloc (09022015). Collection method: clinical testing. Allele origin: germline.

Quest Diagnostics Nichols Institute San Juan Capistrano
Classification: Uncertain significance. Last evaluated: 2024-11-08. Review status: criteria provided, single submitter. Criteria: Quest Diagnostics criteria. Collection method: clinical testing. Allele origin: unknown.
Comment: The TSC2 c.3989C>T (p.Thr1330Met) variant has been reported in the published literature in in an individual affected with tuberous sclerosis complex (PMID: 22490766 (2012)), as well as in a reportedly healthy individual (PMID: 23514105 (2013)). The frequency of this variant in the general population, 0.0002 (4/19734 chromosomes in East Asian subpopulation (Genome Aggregation Database)), is higher than would generally be expected for pathogenic variants in this gene. Analysis of this variant using bioinformatics tools for the prediction of the effect of amino acid changes on protein structure and function yielded conflicting predictions that this variant is deleterious or benign. Based on the available information, we are unable to determine the clinical significance of this variant.

Myriad Genetics, Inc.
Classification: Likely benign for Tuberous sclerosis 2. Last evaluated: 2024-08-06. Review status: criteria provided, single submitter. Criteria: Myriad Autosomal Dominant, Autosomal Recessive and X-Linked Classification Criteria (2023). Collection method: clinical testing. Allele origin: unknown.
Comment: This variant is considered likely benign. This variant has been observed at a population frequency that is significantly greater than expected given the associated disease prevalence and penetrance.

Color Diagnostics, LLC DBA Color Health
Classification: Uncertain significance for Tuberous sclerosis syndrome. Last evaluated: 2024-03-04. Review status: criteria provided, single submitter. Criteria: ACMG Guidelines, 2015. Collection method: clinical testing. Allele origin: germline.
Comment: This missense variant replaces threonine with methionine at codon 1330 of the TSC2 protein. Computational prediction is inconclusive regarding the impact of this variant on protein structure and function (internally defined REVEL score threshold 0.5 < inconclusive < 0.7, PMID: 27666373). To our knowledge, functional studies have not been reported for this variant. This variant has been reported in an individual affected with tuberous sclerosis complex (TSC; PMID: 22490766) but also in an unaffected individual (PMID: 23514105) . This variant has been identified in 10/276322 chromosomes in the general population by the Genome Aggregation Database (gnomAD). The available evidence is insufficient to determine the role of this variant in disease conclusively. Therefore, this variant is classified as a Variant of Uncertain Significance.

All of Us Research Program, National Institutes of Health
Classification: Uncertain significance for Tuberous sclerosis syndrome. Last evaluated: 2024-01-05. Review status: criteria provided, single submitter. Criteria: ACMG Guidelines, 2015. Collection method: clinical testing. Allele origin: germline. Inheritance: Autosomal dominant inheritance. Observed: 8 variant alleles, 8 heterozygotes.
Comment: This missense variant replaces threonine with methionine at codon 1330 of the TSC2 protein. Computational prediction is inconclusive regarding the impact of this variant on protein structure and function (internally defined REVEL score threshold 0.5 < inconclusive < 0.7, PMID: 27666373). To our knowledge, functional studies have not been reported for this variant. This variant has been reported in an individual affected with tuberous sclerosis complex (TSC; PMID: 22490766) but also in an unaffected individual (PMID: 23514105) . This variant has been identified in 10/276322 chromosomes in the general population by the Genome Aggregation Database (gnomAD). The available evidence is insufficient to determine the role of this variant in disease conclusively. Therefore, this variant is classified as a Variant of Uncertain Significance.

This study involves interpretation of variants in research participants for the purpose of population health screening. Participant phenotype was not available at the time of variant classification. Additional details can be found in publication PMID: 35346344, PMCID: PMC8962531

Blueprint Genetics
Classification: Benign. Last evaluated: 2023-08-29. Review status: criteria provided, single submitter. Criteria: ACMG Guidelines, 2015. Collection method: clinical testing. Allele origin: germline.

Genome-Nilou Lab
Classification: Likely benign for Tuberous sclerosis 2. Last evaluated: 2021-11-07. Review status: criteria provided, single submitter. Criteria: ACMG Guidelines, 2015. Collection method: clinical testing. Allele origin: germline. Affected: no.

GeneDx
Classification: Likely benign. Last evaluated: 2021-04-07. Review status: criteria provided, single submitter. Criteria: GeneDx Variant Classification Process June 2021. Collection method: clinical testing. Allele origin: germline. Affected: yes.
Comment: This variant is associated with the following publications: (PMID: 22490766, 23514105)

Ambry Genetics
Classification: Likely benign for Hereditary cancer-predisposing syndrome. Last evaluated: 2021-04-01. Review status: criteria provided, single submitter. Criteria: Ambry Variant Classification Scheme 2023. Collection method: clinical testing. Allele origin: germline.

Illumina Laboratory Services, Illumina
Classification: Uncertain significance for Tuberous sclerosis syndrome. Last evaluated: 2017-04-27. Review status: criteria provided, single submitter. Criteria: ICSL Variant Classification Criteria 13 December 2019. Collection method: clinical testing. Allele origin: germline.
Comment: This variant was observed as part of a predisposition screen in an ostensibly healthy population. A literature search was performed for the gene, cDNA change, and amino acid change (where applicable). Publications were found based on this search. However, the evidence from the literature, in combination with allele frequency data from public databases where available, was not sufficient to rule this variant in or out of causing disease. Therefore, this variant is classified as a variant of unknown significance.

Laboratory for Molecular Medicine, Mass General Brigham Personalized Medicine
Classification: Uncertain significance. Last evaluated: 2016-10-20. Review status: criteria provided, single submitter. Criteria: LMM Criteria. Collection method: clinical testing. Allele origin: germline.
Comment: Variant identified in a genome or exome case(s) and assessed due to predicted null impact of the variant or pathogenic assertions in the literature or databases. Disclaimer: This variant has not undergone full assessment. The following are preliminary notes: Reported in 1 proband with features of TSC and the unaffected parent of a child with autism. ClinVar: VUS by GeneDx (who report they have seen it on their epilepsy panel?)

PreventionGenetics, part of Exact Sciences
Classification: Likely benign for TSC2-related condition. Last evaluated: 2023-08-03. Review status: no assertion criteria provided. Collection method: clinical testing. Allele origin: germline. Not counted in ClinVar's aggregate classification.
Comment: This variant is classified as likely benign based on ACMG/AMP sequence variant interpretation guidelines (Richards et al. 2015 PMID: 25741868, with internal and published modifications).

Tuberous sclerosis database (TSC2)
No classification provided. Condition: ASD. Review status: no classification provided. Criteria: Tuberous Sclerosis Database Assertion Criteria 2015. Collection method: curation. Allele origin: germline. Affected: yes. Not counted in ClinVar's aggregate classification.

Tuberous sclerosis database (TSC2)
No classification provided. Condition: TSC. Review status: no classification provided. Criteria: Tuberous Sclerosis Database Assertion Criteria 2015. Collection method: curation. Allele origin: germline. Affected: yes. Not counted in ClinVar's aggregate classification.

Literature cited by the submitters: PubMed 23514105 (cited by 4 submitters); PubMed 22490766 (cited by 3 submitters).

NM_000548.5(TSC2):c.3989C>T (p.Thr1330Met)

Gene: TSC2 (TSC complex subunit 2; plus strand). Cytogenetic location: 16p13.3.
Variant type: single nucleotide variant.
Coding change: c.3989C>T on transcript NM_000548.5 (MANE Select); coding-DNA position 3989, C replaced by T.
Protein change: p.Thr1330Met; replaces threonine 1330 with methionine.
Molecular consequence: missense variant.
Genome position (GRCh38, 1-based): chr16:2,083,800, C>T. VCF-style: chr16-2083800-C-T. GRCh37 (hg19) VCF-style: chr16-2133801-C-T.
Other names: p.T1330M:ACG>ATG; c.3788C>T, p.Thr1263Met (NM_001077183.3); c.3920C>T, p.Thr1307Met (NM_001114382.3); c.3680C>T, p.Thr1227Met (NM_001318827.2); c.3644C>T, p.Thr1215Met (NM_001318829.2); c.3257C>T, p.Thr1086Met (NM_001318831.2); c.3821C>T, p.Thr1274Met (NM_001318832.2); c.3791C>T, p.Thr1264Met (NM_001363528.2); and 3 more; short protein forms T1330M, T1086M, T1227M, T1287M, T1263M, T1215M, T1274M, T1307M.
Identifiers: ClinVar variation 65285 (VCV000065285.32), dbSNP rs397515209, ClinGen allele CA019782.
Genomic context (GRCh38, chr16:2,083,800, plus strand): 5'-TGCTGGTGGAGCCCCCAGGGTTGGAGGACGTTGAGGCAGCGCTAGGCATGGACAGGCGCA[C>T]GGATGCCTACAGCAGGGTGAGTGTGGCTCAGAGCCTGGACCCTGCTGACCTCGGGGGGCT-3'
Protein context (NP_000539.2, residues 1320-1340): VEAALGMDRR[Thr1330Met]DAYSRSSSVS